The following is an entry in ClinVar:

ClinVar aggregate classification (germline): Uncertain significance (1 of 4 stars; one submission).

Conditions:
Lethal congenital glycogen storage disease of heart. Also called: GLYCOGEN STORAGE DISEASE OF HEART; PHOSPHORYLASE KINASE DEFICIENCY OF HEART. Identifiers: Orphanet 439854, MedGen C1849813, MONDO:0009867, OMIM 261740.

gnomAD v4.1: 1 of 1,613,918 alleles (0.000062%); highest among the groups gnomAD compares: African/African-American, 0.0013%; no homozygotes.

Submission:

Labcorp Genetics (formerly Invitae), Labcorp
Classification: Uncertain significance for Lethal congenital glycogen storage disease of heart. Last evaluated: 2025-03-15. Review status: criteria provided, single submitter. Criteria: Invitae Variant Classification Sherloc (09022015). Collection method: clinical testing. Allele origin: germline.
Comment: This sequence change replaces lysine, which is basic and polar, with threonine, which is neutral and polar, at codon 379 of the PRKAG2 protein (p.Lys379Thr). This variant is not present in population databases (gnomAD no frequency). This variant has not been reported in the literature in individuals affected with PRKAG2-related conditions. Invitae Evidence Modeling of protein sequence and biophysical properties (such as structural, functional, and spatial information, amino acid conservation, physicochemical variation, residue mobility, and thermodynamic stability) indicates that this missense variant is not expected to disrupt PRKAG2 protein function with a negative predictive value of 95%. In summary, the available evidence is currently insufficient to determine the role of this variant in disease. Therefore, it has been classified as a Variant of Uncertain Significance.

NM_016203.4(PRKAG2):c.1136A>C (p.Lys379Thr)

Gene: PRKAG2 (protein kinase AMP-activated non-catalytic subunit gamma 2; minus strand). Cytogenetic location: 7q36.1.
Variant type: single nucleotide variant.
Coding change: c.1136A>C on transcript NM_016203.4 (MANE Select); coding-DNA position 1136, A replaced by C.
Protein change: p.Lys379Thr; replaces lysine 379 with threonine.
Molecular consequence: missense variant.
Genome position (GRCh38, 1-based): chr7:151,568,813, T>G on the plus strand (A>C on the coding strand, the complement: PRKAG2 is on the minus strand). VCF-style: chr7-151568813-T-G. GRCh37 (hg19) VCF-style: chr7-151265899-T-G.
Other names: c.1004A>C, p.Lys335Thr (NM_001040633.2, NM_001407024.1); c.761A>C, p.Lys254Thr (NM_001304527.2, NM_001407029.1); c.413A>C, p.Lys138Thr (NM_001304531.2, NM_001407034.1, NM_001407035.1 and 1 more transcripts); c.764A>C, p.Lys255Thr (NM_001363698.2, NM_001407028.1); c.1136A>C, p.Lys379Thr (NM_001407021.1); c.1133A>C, p.Lys378Thr (NM_001407022.1, NM_001407023.1); c.1001A>C, p.Lys334Thr (NM_001407026.1, NM_001407027.1); c.848A>C, p.Lys283Thr (NM_001407030.1); and 6 more; short protein forms K137T, K138T, K254T, K273T, K282T, K334T, K379T, K283T.
Identifiers: ClinVar variation 4708747 (VCV004708747.1).